The following is an entry in ClinVar:

NM_153704.6(TMEM67):c.2740A>G (p.Met914Val)

Gene: TMEM67 (transmembrane protein 67; plus strand). Cytogenetic location: 8q22.1.
Variant type: single nucleotide variant.
Coding change: c.2740A>G on transcript NM_153704.6 (MANE Select); coding-DNA position 2740, A replaced by G.
Protein change: p.Met914Val; replaces methionine 914 with valine.
Molecular consequence: missense variant. On other transcripts: non-coding transcript variant (1).
Genome position (GRCh38, 1-based): chr8:93,809,863, A>G. VCF-style: chr8-93809863-A-G. GRCh37 (hg19) VCF-style: chr8-94822091-A-G.
Other names: c.2497A>G, p.Met833Val (NM_001142301.1); c.2740A>G (NM_153704.5); short protein forms M914V, M833V.
Identifiers: ClinVar variation 1520085 (VCV001520085.7), dbSNP rs758944470, ClinGen allele CA4808381.
Genomic context (GRCh38, chr8:93,809,863, plus strand): 5'-TACTTTATAAAAGATAAGTTGCTTCTTGAAAGAATTCTTGGAATGGAATTCATGGAACCA[A>G]TGGAAAAAAGCATCTTTTACAATGGTATCTTCTAAATCCCTTTGTAGAACTTGATAACTG-3'
Protein context (NP_714915.3, residues 904-924): RILGMEFMEP[Met914Val]EKSIFYNDEG

ClinVar aggregate classification (germline): Uncertain significance. Review status: criteria provided, multiple submitters, no conflicts (2 of 4 stars). 3 submissions from 3 submitters: Uncertain significance (3). Last evaluated 2025-02-07.

Conditions:
COACH syndrome 1. Identifiers: Orphanet 1454, MedGen C5435651, MONDO:0800103, OMIM 216360, MONDO:0008996.
Nephronophthisis 11 (NPHP11). Identifiers: Orphanet 84081, MedGen C3150796, MONDO:0013302, OMIM 613550.
Joubert syndrome 6 (JBTS6). Identifiers: Orphanet 475, MedGen C1853153, MONDO:0012539, OMIM 610688.
Meckel syndrome, type 3 (MKS3). Also called: MECKEL-GRUBER SYNDROME, TYPE 3. Identifiers: Orphanet 564, MedGen C1846357, MONDO:0011821, OMIM 607361.
RHYNS syndrome. Also called: RETINITIS PIGMENTOSA SYNDROME; RETINITIS PIGMENTOSA, HYPOPITUITARISM, NEPHRONOPHTHISIS, AND MILD SKELETAL DYSPLASIA. Identifiers: Orphanet 140976, MedGen C1865794, MONDO:0011202, OMIM 602152.
Bardet-Biedl syndrome 14 (BBS14). Identifiers: Orphanet 110, MedGen C2673874, MONDO:0014442, OMIM 615991.
TMEM67-related disorder. Also called: TMEM67-related condition; TMEM67-related disorders. Identifiers: MedGen CN239423.
Joubert syndrome. Also called: Familial aplasia of the vermis; JOUBERT-BOLTSHAUSER SYNDROME. Identifiers: Orphanet 475, MedGen C5979921, MONDO:0018772.
Meckel-Gruber syndrome. Also called: Dysencephalia splachnocystica; DYSENCEPHALIA SPLANCHNOCYSTICA; GRUBER SYNDROME. Identifiers: Orphanet 564, MedGen C0265215, MONDO:0018921.

Allele frequency attached by ClinVar (database versions not stated): ExAC 0.00001; gnomAD exomes 0.00001 and 0.00002; gnomAD 0.00002; TOPMed 0.00002.
gnomAD v4.1: 31 of 1,607,362 alleles (0.0019%); highest among the groups gnomAD compares: African/African-American, 0.0027%; no homozygotes.

Submissions (3):

PreventionGenetics, part of Exact Sciences
Classification: Uncertain significance for TMEM67-related condition. Last evaluated: 2025-02-07. Review status: criteria provided, single submitter. Criteria: ACMG Guidelines, 2015. Collection method: clinical testing. Allele origin: germline.
Comment: The TMEM67 c.2740A>G variant is predicted to result in the amino acid substitution p.Met914Val. To our knowledge, this variant has not been reported in the literature. This variant is reported in 0.0054% of alleles in individuals of East Asian descent in gnomAD. At this time, the clinical significance of this variant is uncertain due to the absence of conclusive functional and genetic evidence.

Fulgent Genetics
Classification: Uncertain significance for COACH syndrome 1; RHYNS syndrome; Meckel syndrome, type 3; Joubert syndrome 6; Nephronophthisis 11; Bardet-Biedl syndrome 14. Last evaluated: 2022-04-22. Review status: criteria provided, single submitter. Criteria: ACMG Guidelines, 2015. Collection method: clinical testing. Allele origin: unknown.

Labcorp Genetics (formerly Invitae), Labcorp
Classification: Uncertain significance for Joubert syndrome; Meckel-Gruber syndrome. Last evaluated: 2022-02-20. Review status: criteria provided, single submitter. Criteria: Invitae Variant Classification Sherloc (09022015). Collection method: clinical testing. Allele origin: germline.
Comment: This sequence change replaces methionine, which is neutral and non-polar, with valine, which is neutral and non-polar, at codon 914 of the TMEM67 protein (p.Met914Val). This variant is present in population databases (rs758944470, gnomAD 0.006%). This variant has not been reported in the literature in individuals affected with TMEM67-related conditions. Advanced modeling of protein sequence and biophysical properties (such as structural, functional, and spatial information, amino acid conservation, physicochemical variation, residue mobility, and thermodynamic stability) performed at Invitae indicates that this missense variant is not expected to disrupt TMEM67 protein function. In summary, the available evidence is currently insufficient to determine the role of this variant in disease. Therefore, it has been classified as a Variant of Uncertain Significance.